The following is an entry in ClinVar:

NM_020297.4(ABCC9):c.3193G>T (p.Ala1065Ser)

Gene: ABCC9 (ATP binding cassette subfamily C member 9; minus strand). Cytogenetic location: 12p12.1.
Variant type: single nucleotide variant.
Coding change: c.3193G>T on transcript NM_020297.4 (MANE Select); coding-DNA position 3193, G replaced by T.
Protein change: p.Ala1065Ser; replaces alanine 1065 with serine.
Molecular consequence: missense variant.
Genome position (GRCh38, 1-based): chr12:21,844,819, C>A on the plus strand (G>T on the coding strand, the complement: ABCC9 is on the minus strand). VCF-style: chr12-21844819-C-A. GRCh37 (hg19) VCF-style: chr12-21997753-C-A.
Other names: c.3193G>T, p.Ala1065Ser (NM_001377273.1, NM_005691.4); c.2326G>T, p.Ala776Ser (NM_001377274.1); short protein forms A1065S, A776S.
Identifiers: ClinVar variation 4745801 (VCV004745801.1).

ClinVar aggregate classification (germline): Uncertain significance (1 of 4 stars; one submission).

Conditions:
Dilated cardiomyopathy 1O (CMD1O). Also called: CARDIOMYOPATHY, DILATED, WITH VENTRICULAR TACHYCARDIA. Identifiers: Orphanet 154, MedGen C1837839, MONDO:0012062, OMIM 608569.

Submission:

Labcorp Genetics (formerly Invitae), Labcorp
Classification: Uncertain significance for Dilated cardiomyopathy 1O. Last evaluated: 2025-06-03. Review status: criteria provided, single submitter. Criteria: Invitae Variant Classification Sherloc (09022015). Collection method: clinical testing. Allele origin: germline.
Comment: This sequence change replaces alanine, which is neutral and non-polar, with serine, which is neutral and polar, at codon 1065 of the ABCC9 protein (p.Ala1065Ser). This variant is not present in population databases (gnomAD no frequency). This variant has not been reported in the literature in individuals affected with ABCC9-related conditions. Invitae Evidence Modeling of protein sequence and biophysical properties (such as structural, functional, and spatial information, amino acid conservation, physicochemical variation, residue mobility, and thermodynamic stability) has been performed for this missense variant. However, the output from this modeling did not meet the statistical confidence thresholds required to predict the impact of this variant on ABCC9 protein function. In summary, the available evidence is currently insufficient to determine the role of this variant in disease. Therefore, it has been classified as a Variant of Uncertain Significance.